The following is an entry in ClinVar:

ClinVar aggregate classification (germline): Likely benign (1 of 4 stars; one submission).

Allele frequency attached by ClinVar (database versions not stated): gnomAD 0.00015; ExAC 0.00039.
gnomAD v4.1: 100 of 1,002,156 alleles (0.01%); highest among the groups gnomAD compares: African/African-American, 0.025%; 3 homozygotes.

Submission:

CeGaT Center for Human Genetics Tuebingen
Classification: Likely benign. Last evaluated: 2024-10-01. Review status: criteria provided, single submitter. Criteria: CeGaT Center For Human Genetics Tuebingen Variant Classification Criteria Version 2. Collection method: clinical testing. Allele origin: germline. Affected: yes. Observed: 2 variant alleles.
Comment: MUC4: BP4, BP7

NM_018406.7(MUC4):c.9756C>T (p.Thr3252=)

Gene: MUC4 (mucin 4, cell surface associated). Cytogenetic location: 3q29.
Variant type: single nucleotide variant.
Coding change: c.9756C>T on transcript NM_018406.7 (MANE Select); coding-DNA position 9756, C replaced by T.
Protein change: p.Thr3252=; no amino-acid change (threonine 3252 retained).
Molecular consequence: synonymous variant. On other transcripts: genic upstream transcript variant (2).
Genome position (GRCh38, 1-based): chr3:195,781,824, G>A on the plus strand (C>T on the coding strand, the complement: MUC4 is on the minus strand). VCF-style: chr3-195781824-G-A. GRCh37 (hg19) VCF-style: chr3-195508695-G-A.
Other names: c.14430C>T, p.Thr4810= (NM_001322468.1); c.83-7519C>T (NM_138297.5); c.83-3369C>T (NM_004532.6).
Identifiers: ClinVar variation 2654440 (VCV002654440.24), dbSNP rs1296392239, ClinGen allele CA2770777.